The following is an entry in ClinVar:

NM_001253697.2(ERBIN):c.839C>A (p.Thr280Lys)

Gene: ERBIN (erbb2 interacting protein; plus strand). Cytogenetic location: 5q12.3.
Variant type: single nucleotide variant.
Coding change: c.839C>A on transcript NM_001253697.2 (MANE Select); coding-DNA position 839, C replaced by A.
Protein change: p.Thr280Lys; replaces threonine 280 with lysine.
Molecular consequence: missense variant.
Genome position (GRCh38, 1-based): chr5:66,025,501, C>A. VCF-style: chr5-66025501-C-A. GRCh37 (hg19) VCF-style: chr5-65321329-C-A.
Other names: c.839C>A, p.Thr280Lys (NM_001006600.3, NM_001253698.2, NM_001253699.2 and 2 more transcripts); short protein forms T280K.
Identifiers: ClinVar variation 3725709 (VCV003725709.2).

ClinVar aggregate classification (germline): Uncertain significance (1 of 4 stars; one submission).

Submission:

Labcorp Genetics (formerly Invitae), Labcorp
Classification: Uncertain significance. Last evaluated: 2024-11-20. Review status: criteria provided, single submitter. Criteria: Invitae Variant Classification Sherloc (09022015). Collection method: clinical testing. Allele origin: germline.
Comment: This sequence change replaces threonine, which is neutral and polar, with lysine, which is basic and polar, at codon 280 of the ERBIN protein (p.Thr280Lys). This variant is not present in population databases (gnomAD no frequency). This variant has not been reported in the literature in individuals affected with ERBIN-related conditions. An algorithm developed to predict the effect of missense changes on protein structure and function (PolyPhen-2) suggests that this variant is likely to be disruptive. In summary, the available evidence is currently insufficient to determine the role of this variant in disease. Therefore, it has been classified as a Variant of Uncertain Significance.